The following is an entry in ClinVar:

NM_006361.6(HOXB13):c.691C>A (p.Leu231Met)

Gene: HOXB13 (homeobox B13; minus strand). Cytogenetic location: 17q21.32.
Variant type: single nucleotide variant.
Coding change: c.691C>A on transcript NM_006361.6 (MANE Select); coding-DNA position 691, C replaced by A.
Protein change: p.Leu231Met; replaces leucine 231 with methionine.
Molecular consequence: missense variant.
Genome position (GRCh38, 1-based): chr17:48,726,954, G>T on the plus strand (C>A on the coding strand, the complement: HOXB13 is on the minus strand). VCF-style: chr17-48726954-G-T. GRCh37 (hg19) VCF-style: chr17-46804316-G-T.
Other names: short protein forms L231M.
Identifiers: ClinVar variation 826702 (VCV000826702.4), dbSNP rs1597932814, ClinGen allele CA400106592.

ClinVar aggregate classification (germline): Uncertain significance (1 of 4 stars; one submission).

Conditions:
Hereditary cancer-predisposing syndrome. Also called: Neoplastic Syndromes, Hereditary; Tumor predisposition; Hereditary neoplastic syndrome; Hereditary Cancer Syndrome. Identifiers: Orphanet 140162, MedGen C0027672, MeSH D009386, MONDO:0015356.

Allele frequency attached by ClinVar (database versions not stated): gnomAD exomes below 0.00001.

Submission:

Ambry Genetics
Classification: Uncertain significance for Hereditary cancer-predisposing syndrome. Last evaluated: 2019-09-25. Review status: criteria provided, single submitter. Criteria: Ambry Variant Classification Scheme 2023. Collection method: clinical testing. Allele origin: germline.
Comment: The p.L231M variant (also known as c.691C>A), located in coding exon 2 of the HOXB13 gene, results from a C to A substitution at nucleotide position 691. The leucine at codon 231 is replaced by methionine, an amino acid with highly similar properties. This amino acid position is highly conserved in available vertebrate species. In addition, this alteration is predicted to be deleterious by in silico analysis. Since supporting evidence is limited at this time, the clinical significance of this alteration remains unclear.